The following is an entry in ClinVar:

NM_001042492.3(NF1):c.5062del (p.Glu1688fs)

Gene: NF1 (neurofibromin 1; plus strand). Cytogenetic location: 17q11.2.
Variant type: Deletion.
Coding change: c.5062del on transcript NM_001042492.3 (MANE Select); coding-DNA position 5062, one base deleted (G; older notation c.5062delG).
Protein change: p.Glu1688fs; shifts the reading frame from glutamic acid 1688.
Molecular consequence: frameshift variant.
Genome position (GRCh38, 1-based): chr17:31,326,046, G deleted; the last of 3 consecutive G bases (chr17:31,326,044-31,326,046); deleting any one gives the same sequence. VCF-style (leftmost placement, unchanged base first): chr17-31326043-AG-A. GRCh37 (hg19) VCF-style: chr17-29653061-AG-A.
Other names: c.4999delG (NM_000267.3); c.4999delG, p.Glu1667Serfs (NM_000267.4); short protein forms E1667fs, E1688fs.
Identifiers: ClinVar variation 3404775 (VCV003404775.1).

ClinVar aggregate classification (germline): Pathogenic (1 of 4 stars; one submission).

Conditions:
Hereditary cancer-predisposing syndrome. Also called: Hereditary Cancer Syndrome; Tumor predisposition; Hereditary neoplastic syndrome; Neoplastic Syndromes, Hereditary. Identifiers: Orphanet 140162, MedGen C0027672, MeSH D009386, MONDO:0015356.
Cardiovascular phenotype. Identifiers: MedGen CN230736.

Submission:

Ambry Genetics
Classification: Pathogenic for Cardiovascular phenotype; Hereditary cancer-predisposing syndrome. Last evaluated: 2024-10-15. Review status: criteria provided, single submitter. Criteria: Ambry Variant Classification Scheme 2023. Collection method: clinical testing. Allele origin: germline.
Comment: The c.4999delG pathogenic mutation, located in coding exon 36 of the NF1 gene, results from a deletion of one nucleotide at nucleotide position 4999, causing a translational frameshift with a predicted alternate stop codon (p.E1667Sfs*10). This variant is considered to be rare based on population cohorts in the Genome Aggregation Database (gnomAD). This alteration is expected to result in loss of function by premature protein truncation or nonsense-mediated mRNA decay. As such, this alteration is interpreted as a disease-causing mutation.